The following is an entry in ClinVar:

NM_003978.5(PSTPIP1):c.1210C>T (p.Gln404Ter)

Gene: PSTPIP1 (proline-serine-threonine phosphatase interacting protein 1; plus strand). Cytogenetic location: 15q24.3.
Variant type: single nucleotide variant.
Coding change: c.1210C>T on transcript NM_003978.5 (MANE Select); coding-DNA position 1210, C replaced by T.
Protein change: p.Gln404Ter; replaces glutamine 404 with a stop codon.
Molecular consequence: nonsense. On other transcripts: non-coding transcript variant (1).
Genome position (GRCh38, 1-based): chr15:77,037,135, C>T. VCF-style: chr15-77037135-C-T. GRCh37 (hg19) VCF-style: chr15-77329476-C-T.
Other names: c.1153C>T, p.Gln385Ter (NM_001321135.2); c.1183C>T, p.Gln395Ter (NM_001321136.2); c.1405C>T, p.Gln469Ter (NM_001321137.1); c.1201C>T, p.Gln401Ter (NM_001411086.1); short protein forms Q385*, Q404*, Q469*, Q395*, Q401*.
Identifiers: ClinVar variation 4768491 (VCV004768491.1).

ClinVar aggregate classification (germline): Uncertain significance (1 of 4 stars; one submission).

Conditions:
Pyogenic arthritis-pyoderma gangrenosum-acne syndrome (PAPA). Also called: FAMILIAL RECURRENT ARTHRITIS; PAPA SYNDROME. Identifiers: Orphanet 69126, MedGen C1858361, MONDO:0011462, OMIM 604416.

Submission:

Labcorp Genetics (formerly Invitae), Labcorp
Classification: Uncertain significance for Pyogenic arthritis-pyoderma gangrenosum-acne syndrome. Last evaluated: 2026-01-18. Review status: criteria provided, single submitter. Criteria: Invitae Variant Classification Sherloc (09022015). Collection method: clinical testing. Allele origin: germline.
Comment: This sequence change creates a premature translational stop signal (p.Gln404*) in the PSTPIP1 gene. While this is not anticipated to result in nonsense mediated decay, it is expected to disrupt the last 13 amino acid(s) of the PSTPIP1 protein. This variant is present in population databases (rs762726715, gnomAD 0.0009%). This variant has not been reported in the literature in individuals affected with PSTPIP1-related conditions. Experimental studies and prediction algorithms are not available or were not evaluated, and the functional significance of this variant is currently unknown. In summary, the available evidence is currently insufficient to determine the role of this variant in disease. Therefore, it has been classified as a Variant of Uncertain Significance.